The following is an entry in ClinVar:

ClinVar aggregate classification (germline): Uncertain significance. Review status: criteria provided, multiple submitters, no conflicts (2 of 4 stars). 3 submissions from 3 submitters: Uncertain significance (3). Last evaluated 2025-06-22.

Conditions:
Macrothrombocytopenia and granulocyte inclusions with or without nephritis or sensorineural hearing loss (MATINS). Also called: BLEEDING DISORDER, PLATELET-TYPE, 6; MAY-HEGGLIN ANOMALY; SEBASTIAN PLATELET SYNDROME; MACROTHROMBOCYTOPENIA WITH DISPERSED LEUKOCYTIC INCLUSIONS; MACROTHROMBOCYTOPENIA, NEPHRITIS, AND DEAFNESS; MACROTHROMBOCYTOPENIA, NEPHRITIS, DEAFNESS, AND LEUKOCYTE INCLUSIONS. Identifiers: Orphanet 182050, MedGen C5200934, MONDO:0015912, OMIM 155100.
Autosomal dominant nonsyndromic hearing loss 17. Also called: Autosomal dominant nonsyndromic deafness 17; Deafness, autosomal dominant 17. Identifiers: Orphanet 90635, MedGen C1863659, MONDO:0011350, OMIM 603622.

gnomAD v4.1: 29 of 1,614,110 alleles (0.0018%); highest among the groups gnomAD compares: Non-Finnish European, 0.0022%; no homozygotes.

Submissions (3):

Labcorp Genetics (formerly Invitae), Labcorp
Classification: Uncertain significance. Last evaluated: 2025-06-22. Review status: criteria provided, single submitter. Criteria: Invitae Variant Classification Sherloc (09022015). Collection method: clinical testing. Allele origin: germline.
Comment: This sequence change replaces lysine, which is basic and polar, with asparagine, which is neutral and polar, at codon 141 of the MYH9 protein (p.Lys141Asn). This variant is present in population databases (rs745522193, gnomAD 0.003%). This variant has not been reported in the literature in individuals affected with MYH9-related conditions. ClinVar contains an entry for this variant (Variation ID: 3361677). Invitae Evidence Modeling of protein sequence and biophysical properties (such as structural, functional, and spatial information, amino acid conservation, physicochemical variation, residue mobility, and thermodynamic stability) has been performed for this missense variant. However, the output from this modeling did not meet the statistical confidence thresholds required to predict the impact of this variant on MYH9 protein function. In summary, the available evidence is currently insufficient to determine the role of this variant in disease. Therefore, it has been classified as a Variant of Uncertain Significance.

Fulgent Genetics
Classification: Uncertain significance for Macrothrombocytopenia and granulocyte inclusions with or without nephritis or sensorineural hearing loss; Autosomal dominant nonsyndromic hearing loss 17. Last evaluated: 2024-03-11. Review status: criteria provided, single submitter. Criteria: ACMG Guidelines, 2015. Collection method: clinical testing. Allele origin: germline.

GeneDx
Classification: Uncertain significance. Last evaluated: 2023-07-31. Review status: criteria provided, single submitter. Criteria: GeneDx Variant Classification Process June 2021. Collection method: clinical testing. Allele origin: germline. Affected: yes.
Comment: In silico analysis supports that this missense variant has a deleterious effect on protein structure/function; Has not been previously published as pathogenic or benign to our knowledge

NM_002473.6(MYH9):c.423G>C (p.Lys141Asn)

Gene: MYH9 (myosin heavy chain 9; minus strand). Cytogenetic location: 22q12.3.
Variant type: single nucleotide variant.
Coding change: c.423G>C on transcript NM_002473.6 (MANE Select); coding-DNA position 423, G replaced by C.
Protein change: p.Lys141Asn; replaces lysine 141 with asparagine.
Molecular consequence: missense variant.
Genome position (GRCh38, 1-based): chr22:36,341,437, C>G on the plus strand (G>C on the coding strand, the complement: MYH9 is on the minus strand). VCF-style: chr22-36341437-C-G. GRCh37 (hg19) VCF-style: chr22-36737482-C-G.
Other names: short protein forms K141N.
Identifiers: ClinVar variation 3361677 (VCV003361677.3).